The following is an entry in ClinVar:

NM_001080414.4(CCDC88C):c.834G>A (p.Val278=)

Gene: CCDC88C (coiled-coil and HOOK domain protein 88C; minus strand). Cytogenetic location: 14q32.11.
Variant type: single nucleotide variant.
Coding change: c.834G>A on transcript NM_001080414.4 (MANE Select); coding-DNA position 834, G replaced by A.
Protein change: p.Val278=; no amino-acid change (valine 278 retained).
Molecular consequence: synonymous variant.
Genome position (GRCh38, 1-based): chr14:91,338,546, C>T on the plus strand (G>A on the coding strand, the complement: CCDC88C is on the minus strand). VCF-style: chr14-91338546-C-T. GRCh37 (hg19) VCF-style: chr14-91804890-C-T.
Other names: c.834G>A (NM_001080414.3).
Identifiers: ClinVar variation 2421366 (VCV002421366.9), dbSNP rs989797232, ClinGen allele CA265517975.
Genomic context (GRCh38, chr14:91,338,546, plus strand): 5'-CACCTCCTGCTTAACTTTCTGCAGTTCCAGCACCAGCTGGTCCACCTCATGTCTGGTGTC[C>T]ACAAGCTGCTCTGTCTTATCCTCCCTGCAGAGGCAGTAAGGAGAAAGAGTGTGGGAGGCA-3'
Protein context (NP_001073883.2, residues 268-288): QELEDKTEQL[Val278=]DTRHEVDQLV

ClinVar aggregate classification (germline): Likely benign. Review status: criteria provided, single submitter (1 of 4 stars). 2 submissions from 2 submitters: Likely benign (1). 1 of the submissions does not count toward it. Last evaluated 2025-12-29.

Conditions:
CCDC88C-related disorder. Also called: CCDC88C-Related Disorders; CCDC88C-related condition.

Allele frequency attached by ClinVar (database versions not stated): gnomAD 0.00001; TOPMed 0.00002.
gnomAD v4.1: 36 of 1,570,216 alleles (0.0023%); highest among the groups gnomAD compares: Non-Finnish European, 0.0029%; no homozygotes.

Submissions (2):

Labcorp Genetics (formerly Invitae), Labcorp
Classification: Likely benign. Last evaluated: 2025-12-29. Review status: criteria provided, single submitter. Criteria: Invitae Variant Classification Sherloc (09022015). Collection method: clinical testing. Allele origin: germline.

PreventionGenetics, part of Exact Sciences
Classification: Likely benign for CCDC88C-related condition. Last evaluated: 2019-03-05. Review status: no assertion criteria provided. Collection method: clinical testing. Allele origin: germline. Not counted in ClinVar's aggregate classification.
Comment: This variant is classified as likely benign based on ACMG/AMP sequence variant interpretation guidelines (Richards et al. 2015 PMID: 25741868, with internal and published modifications).